The following is an entry in ClinVar:

ClinVar aggregate classification (germline): Benign (1 of 4 stars; one submission).

gnomAD v4.1: 3,605 of 1,613,794 alleles (0.22%); highest among the groups gnomAD compares: African/African-American, 1%; 30 homozygotes.

Submission:

CeGaT Center for Human Genetics Tuebingen
Classification: Benign. Last evaluated: 2024-10-01. Review status: criteria provided, single submitter. Criteria: CeGaT Center For Human Genetics Tuebingen Variant Classification Criteria Version 2. Collection method: clinical testing. Allele origin: germline. Affected: yes. Observed: 1 variant allele.
Comment: TGM7: BP4, BS1, BS2

NM_052955.3(TGM7):c.439+8G>A

Gene: TGM7 (transglutaminase 7; minus strand). Cytogenetic location: 15q15.2.
Variant type: single nucleotide variant.
Coding change: c.439+8G>A on transcript NM_052955.3 (MANE Select); 8 bases into the intron after coding-DNA position 439, G replaced by A.
Molecular consequence: intron variant.
Genome position (GRCh38, 1-based): chr15:43,292,701, C>T on the plus strand (G>A on the coding strand, the complement: TGM7 is on the minus strand). VCF-style: chr15-43292701-C-T. GRCh37 (hg19) VCF-style: chr15-43584899-C-T.
Identifiers: ClinVar variation 3388157 (VCV003388157.14).
Genomic context (GRCh38, chr15:43,292,701, plus strand): 5'-TTCCAAAGAACCTCACAGGGCCTTCCCAATGGATCAGGTTAGCAATACAAGCTGTGGGCA[C>T]ATCCTACCTGGACTCCAAGGGTTAAAAAGTAGGATGAAAGTTCCCAGCGGGTAAGTCACA-3'